The following is an entry in ClinVar:

ClinVar aggregate classification (germline): Conflicting classifications of pathogenicity. Review status: criteria provided, conflicting classifications (1 of 4 stars). 8 submissions from 7 submitters: Uncertain significance (2); Likely benign (6). Last evaluated 2026-04-01.

Conditions:
Type 2 collagenopathy. Identifiers: Orphanet 93421, MedGen C2931073, MONDO:0022800.
Stickler syndrome type 1 (STL1). Also called: ARTHROOPHTHALMOPATHY, HEREDITARY PROGRESSIVE; STICKLER SYNDROME, MEMBRANOUS VITREOUS TYPE; STICKLER SYNDROME, VITREOUS TYPE 1; COL2A1-Related Stickler Syndrome. Identifiers: Orphanet 828, Orphanet 90653, MedGen C2020284, MONDO:0007160, OMIM 108300.

Allele frequency attached by ClinVar (database versions not stated): gnomAD exomes 0.00011 and 0.00006; ESP Exome Variant Server 0.00015; 1000 Genomes Project 30x 0.00016; 1000 Genomes Project 0.00020; gnomAD 0.00007 and 0.00008; ExAC 0.00009; TOPMed 0.00010.
gnomAD v4.1: 163 of 1,614,068 alleles (0.01%); highest among the groups gnomAD compares: Middle Eastern, 0.016%; no homozygotes.

Submissions (8):

CeGaT Center for Human Genetics Tuebingen
Classification: Likely benign. Last evaluated: 2026-04-01. Review status: criteria provided, single submitter. Criteria: CeGaT Center For Human Genetics Tuebingen Variant Classification Criteria Version 2. Collection method: clinical testing. Allele origin: germline. Affected: yes. Observed: 1 variant allele.
Comment: COL2A1: BP4, BP7

Labcorp Genetics (formerly Invitae), Labcorp
Classification: Likely benign. Last evaluated: 2026-01-22. Review status: criteria provided, single submitter. Criteria: Invitae Variant Classification Sherloc (09022015). Collection method: clinical testing. Allele origin: germline.

Blueprint Genetics
Classification: Likely benign. Last evaluated: 2024-09-23. Review status: criteria provided, single submitter. Criteria: ACMG Guidelines, 2015. Collection method: clinical testing. Allele origin: germline.

Athena Diagnostics
Classification: Likely benign. Last evaluated: 2020-08-06. Review status: criteria provided, single submitter. Criteria: Athena Diagnostics Criteria. Collection method: clinical testing. Allele origin: unknown.

GeneDx
Classification: Likely benign. Last evaluated: 2020-06-12. Review status: criteria provided, single submitter. Criteria: GeneDx Variant Classification Process June 2021. Collection method: clinical testing. Allele origin: germline. Affected: yes.

Illumina Laboratory Services, Illumina
Classification: Uncertain significance for Type II Collagenopathies. Last evaluated: 2017-04-28. Review status: criteria provided, single submitter. Criteria: ICSL Variant Classification Criteria 13 December 2019. Collection method: clinical testing. Allele origin: germline.

Illumina Laboratory Services, Illumina
Classification: Uncertain significance for Stickler syndrome type 1. Last evaluated: 2017-04-28. Review status: criteria provided, single submitter. Criteria: ICSL Variant Classification Criteria 13 December 2019. Collection method: clinical testing. Allele origin: germline.

PreventionGenetics, part of Exact Sciences
Classification: Likely benign. Review status: criteria provided, single submitter. Criteria: ACMG Guidelines, 2015. Collection method: clinical testing. Allele origin: germline.

NM_001844.5(COL2A1):c.2949C>T (p.Val983=)

Gene: COL2A1 (collagen type II alpha 1 chain; minus strand). Cytogenetic location: 12q13.11.
Variant type: single nucleotide variant.
Coding change: c.2949C>T on transcript NM_001844.5 (MANE Select); coding-DNA position 2949, C replaced by T.
Protein change: p.Val983=; no amino-acid change (valine 983 retained).
Molecular consequence: synonymous variant.
Genome position (GRCh38, 1-based): chr12:47,978,345, G>A on the plus strand (C>T on the coding strand, the complement: COL2A1 is on the minus strand). VCF-style: chr12-47978345-G-A. GRCh37 (hg19) VCF-style: chr12-48372128-G-A.
Other names: c.2742C>T, p.Val914= (NM_033150.3).
Identifiers: ClinVar variation 258231 (VCV000258231.22), dbSNP rs201719788, ClinGen allele CA6534943.